The following is an entry in ClinVar:

NM_005529.7(HSPG2):c.835_836delinsAG (p.Ser279=)

Gene: HSPG2 (heparan sulfate proteoglycan 2; minus strand). Cytogenetic location: 1p36.12.
Variant type: Indel.
Coding change: c.835_836delinsAG on transcript NM_005529.7 (MANE Select); coding-DNA positions 835 to 836, TC replaced by AG.
Protein change: p.Ser279=; no amino-acid change (serine 279 retained).
Molecular consequence: synonymous variant.
Genome position (GRCh38, 1-based): chr1:21,887,542-21,887,543, GA replaced by CT on the plus strand (TC replaced by AG on the coding strand, the reverse complement: HSPG2 is on the minus strand). VCF-style: chr1-21887542-GA-CT. GRCh37 (hg19) VCF-style: chr1-22214035-GA-CT.
Other names: c.835_836delinsAG, p.Ser279= (NM_001291860.2).
Identifiers: ClinVar variation 1256157 (VCV001256157.9), dbSNP rs2152762782, ClinGen allele CA2499214546.

ClinVar aggregate classification (germline): Uncertain significance. Review status: criteria provided, multiple submitters, no conflicts (2 of 4 stars). 2 submissions from 2 submitters: Uncertain significance (2). Last evaluated 2025-06-04.

Submissions (2):

Labcorp Genetics (formerly Invitae), Labcorp
Classification: Uncertain significance. Last evaluated: 2025-06-04. Review status: criteria provided, single submitter. Criteria: Invitae Variant Classification Sherloc (09022015). Collection method: clinical testing. Allele origin: germline.
Comment: This sequence change affects codon 279 of the HSPG2 mRNA. It is a 'silent' change, meaning that it does not change the encoded amino acid sequence of the HSPG2 protein. This variant is present in population databases (no rsID available, gnomAD 0.03%). This variant has not been reported in the literature in individuals affected with HSPG2-related conditions. ClinVar contains an entry for this variant (Variation ID: 1256157). In summary, the available evidence is currently insufficient to determine the role of this variant in disease. Therefore, it has been classified as a Variant of Uncertain Significance.

Athena Diagnostics
Classification: Uncertain significance. Last evaluated: 2021-02-22. Review status: criteria provided, single submitter. Criteria: Athena Diagnostics criteria. Collection method: clinical testing. Allele origin: unknown.